The following is an entry in ClinVar:

NM_004247.4(EFTUD2):c.1088G>A (p.Ser363Asn)

Gene: EFTUD2 (elongation factor Tu GTP binding domain containing 2; minus strand). Cytogenetic location: 17q21.31.
Variant type: single nucleotide variant.
Coding change: c.1088G>A on transcript NM_004247.4 (MANE Select); coding-DNA position 1088, G replaced by A.
Protein change: p.Ser363Asn; replaces serine 363 with asparagine.
Molecular consequence: missense variant.
Genome position (GRCh38, 1-based): chr17:44,867,868, C>T on the plus strand (G>A on the coding strand, the complement: EFTUD2 is on the minus strand). VCF-style: chr17-44867868-C-T. GRCh37 (hg19) VCF-style: chr17-42945236-C-T.
Other names: c.983G>A, p.Ser328Asn (NM_001142605.2); c.1088G>A, p.Ser363Asn (NM_001258353.2); c.1058G>A, p.Ser353Asn (NM_001258354.2); short protein forms S328N, S353N, S363N.
Identifiers: ClinVar variation 1303915 (VCV001303915.2), dbSNP rs2145487613, ClinGen allele CA399816052.
Genomic context (GRCh38, chr17:44,867,868, plus strand): 5'-TGGGCGAGGATCTTATAAAGAGGCTCCAAGATAAACTCCACGAAACTTCTCTGGGAGCTG[C>T]TAGTTGGGGCCTTTTTGGTGAACTTTCGCCTAAAAGGAAAAATAAGTTCTGAGTGACCCA-3'
Protein context (NP_004238.3, residues 353-373): TRKFTKKAPT[Ser363Asn]SSQRSFVEFI

ClinVar aggregate classification (germline): Uncertain significance (1 of 4 stars; one submission).

Submission:

GeneDx
Classification: Uncertain significance. Last evaluated: 2020-09-15. Review status: criteria provided, single submitter. Criteria: GeneDx Variant Classification Process June 2021. Collection method: clinical testing. Allele origin: germline. Affected: yes.
Comment: Not observed in large population cohorts (Lek et al., 2016); In silico analysis supports that this missense variant does not alter protein structure/function; Has not been previously published as pathogenic or benign to our knowledge